The following is an entry in ClinVar:

ClinVar aggregate classification (germline): Uncertain significance (1 of 4 stars; one submission).

Allele frequency attached by ClinVar (database versions not stated): gnomAD exomes below 0.00001.

Submission:

Labcorp Genetics (formerly Invitae), Labcorp
Classification: Uncertain significance. Last evaluated: 2025-12-20. Review status: criteria provided, single submitter. Criteria: Invitae Variant Classification Sherloc (09022015). Collection method: clinical testing. Allele origin: germline.
Comment: This sequence change replaces glutamine, which is neutral and polar, with arginine, which is basic and polar, at codon 386 of the CAPN5 protein (p.Gln386Arg). This variant is not present in population databases (gnomAD no frequency). This variant has not been reported in the literature in individuals affected with CAPN5-related conditions. ClinVar contains an entry for this variant (Variation ID: 1058766). Invitae Evidence Modeling of protein sequence and biophysical properties (such as structural, functional, and spatial information, amino acid conservation, physicochemical variation, residue mobility, and thermodynamic stability) indicates that this missense variant is not expected to disrupt CAPN5 protein function with a negative predictive value of 80%. In summary, the available evidence is currently insufficient to determine the role of this variant in disease. Therefore, it has been classified as a Variant of Uncertain Significance.

NM_004055.5(CAPN5):c.1157A>G (p.Gln386Arg)

Gene: CAPN5 (calpain 5; plus strand). Cytogenetic location: 11q13.5.
Variant type: single nucleotide variant.
Coding change: c.1157A>G on transcript NM_004055.5 (MANE Select); coding-DNA position 1157, A replaced by G.
Protein change: p.Gln386Arg; replaces glutamine 386 with arginine.
Molecular consequence: missense variant.
Genome position (GRCh38, 1-based): chr11:77,118,342, A>G. VCF-style: chr11-77118342-A-G. GRCh37 (hg19) VCF-style: chr11-76829388-A-G.
Other names: short protein forms Q386R.
Identifiers: ClinVar variation 1058766 (VCV001058766.9), dbSNP rs2135484035, ClinGen allele CA381941948.